The following is an entry in ClinVar:

NM_181523.3(PIK3R1):c.889G>A (p.Glu297Lys)

Gene: PIK3R1 (phosphoinositide-3-kinase regulatory subunit 1; plus strand). Cytogenetic location: 5q13.1.
Variant type: single nucleotide variant.
Coding change: c.889G>A on transcript NM_181523.3 (MANE Select); coding-DNA position 889, G replaced by A.
Protein change: p.Glu297Lys; replaces glutamic acid 297 with lysine.
Molecular consequence: missense variant.
Genome position (GRCh38, 1-based): chr5:68,280,979, G>A. VCF-style: chr5-68280979-G-A. GRCh37 (hg19) VCF-style: chr5-67576807-G-A.
Other names: short protein forms E297K.
Identifiers: ClinVar variation 946102 (VCV000946102.19), dbSNP rs763278796, ClinGen allele CA3290161.
Genomic context (GRCh38, chr5:68,280,979, plus strand): 5'-TCTTACAGCTCTGATAATACTGAAAACCTCATAAAAGTTATAGAAATTTTAATCTCAACT[G>A]AATGGAATGAACGACAGCCTGCACCAGGTAATGCTTTTTGAGCATTTAACATTCTCTCAT-3'
Protein context (NP_852664.1, residues 287-307): IKVIEILIST[Glu297Lys]WNERQPAPAL

ClinVar aggregate classification (germline): Uncertain significance. Review status: criteria provided, multiple submitters, no conflicts (2 of 4 stars). 4 submissions from 4 submitters: Uncertain significance (4). Last evaluated 2026-01-28.

Conditions:
Agammaglobulinemia 7, autosomal recessive (AGM7). Also called: AGAMMAGLOBULINEMIA, AUTOSOMAL RECESSIVE, DUE TO PIK3R1 DEFECT. Identifiers: MedGen C3554689, MONDO:0014083, OMIM 615214.
Immunodeficiency 36 with lymphoproliferation. Also called: Immunodeficiency 36; Activated PI3K Delta Syndrome Type 2 (APDS2); ACTIVATED PI3K-DELTA SYNDROME 2. Identifiers: Orphanet 397596, Orphanet 693681, MedGen C4014934, MONDO:0014453, OMIM 616005.
SHORT syndrome. Also called: LIPODYSTROPHY, PARTIAL, WITH RIEGER ANOMALY AND SHORT STATURE; PIK3R1-Related SHORT Syndrome; SHORT STATURE, HYPEREXTENSIBILITY, HERNIA, OCULAR DEPRESSION, RIEGER ANOMALY, AND TEETHING DELAY. Identifiers: Orphanet 3163, MedGen C0878684, MONDO:0010026, OMIM 269880.

Allele frequency attached by ClinVar (database versions not stated): gnomAD 0.00003; gnomAD exomes 0.00003 and 0.00010; TOPMed 0.00006; ExAC 0.00010.
gnomAD v4.1: 53 of 1,606,088 alleles (0.0033%); highest among the groups gnomAD compares: Admixed American, 0.042%; no homozygotes.

Submissions (4):

Labcorp Genetics (formerly Invitae), Labcorp
Classification: Uncertain significance for SHORT syndrome; Immunodeficiency 36 with lymphoproliferation; Agammaglobulinemia 7, autosomal recessive. Last evaluated: 2026-01-28. Review status: criteria provided, single submitter. Criteria: Invitae Variant Classification Sherloc (09022015). Collection method: clinical testing. Allele origin: germline.
Comment: This sequence change replaces glutamic acid, which is acidic and polar, with lysine, which is basic and polar, at codon 297 of the PIK3R1 protein (p.Glu297Lys). This variant is present in population databases (rs763278796, gnomAD 0.05%). This variant has not been reported in the literature in individuals affected with PIK3R1-related conditions. ClinVar contains an entry for this variant (Variation ID: 946102). An algorithm developed to predict the effect of missense changes on protein structure and function (PolyPhen-2) suggests that this variant is likely to be tolerated. Experimental studies have shown that this missense change affects PIK3R1 function (PMID: 29740032). In summary, the available evidence is currently insufficient to determine the role of this variant in disease. Therefore, it has been classified as a Variant of Uncertain Significance.

CeGaT Center for Human Genetics Tuebingen
Classification: Uncertain significance. Last evaluated: 2025-04-01. Review status: criteria provided, single submitter. Criteria: CeGaT Center For Human Genetics Tuebingen Variant Classification Criteria Version 2. Collection method: clinical testing. Allele origin: germline. Affected: yes. Observed: 1 variant allele.
Comment: PIK3R1: PM2

Revvity Omics, Revvity
Classification: Uncertain significance. Last evaluated: 2022-04-01. Review status: criteria provided, single submitter. Criteria: ACMG Guidelines, 2015. Collection method: clinical testing. Allele origin: germline.

Breakthrough Genomics
Classification: Uncertain significance. Review status: criteria provided, single submitter. Criteria: ACMG Guidelines, 2015. Collection method: not provided. Allele origin: germline. Inheritance: Autosomal recessive inheritance. Affected: yes.

Literature cited by the submitters: PubMed 29740032 (cited by Labcorp Genetics (formerly Invitae), Labcorp).